The following is an entry in ClinVar:

ClinVar aggregate classification (germline): Uncertain significance (1 of 4 stars; one submission).

Conditions:
Long QT syndrome (LQTS). Identifiers: MedGen C0023976, MeSH D008133, MONDO:0002442. Disease mechanism: loss of function. Inheritance: Various modes of inheritance.

Submission:

Labcorp Genetics (formerly Invitae), Labcorp
Classification: Uncertain significance for Long QT syndrome. Last evaluated: 2021-08-15. Review status: criteria provided, single submitter. Criteria: Invitae Variant Classification Sherloc (09022015). Collection method: clinical testing. Allele origin: germline.
Comment: In summary, the available evidence is currently insufficient to determine the role of this variant in disease. Therefore, it has been classified as a Variant of Uncertain Significance. Algorithms developed to predict the effect of missense changes on protein structure and function are either unavailable or do not agree on the potential impact of this missense change (SIFT: "Tolerated"; PolyPhen-2: "Probably Damaging"; Align-GVGD: "Class C0"). This variant has not been reported in the literature in individuals affected with CACNA1C-related conditions. This variant is not present in population databases (ExAC no frequency). This sequence change replaces lysine with glutamine at codon 90 of the CACNA1C protein (p.Lys90Gln). The lysine residue is weakly conserved and there is a small physicochemical difference between lysine and glutamine.

NM_000719.7(CACNA1C):c.268A>C (p.Lys90Gln)

Gene: CACNA1C (calcium voltage-gated channel subunit alpha1 C; plus strand). Cytogenetic location: 12p13.33.
Variant type: single nucleotide variant.
Coding change: c.268A>C on transcript NM_000719.7 (MANE Select); coding-DNA position 268, A replaced by C.
Protein change: p.Lys90Gln; replaces lysine 90 with glutamine.
Molecular consequence: missense variant.
Genome position (GRCh38, 1-based): chr12:2,115,442, A>C. VCF-style: chr12-2115442-A-C. GRCh37 (hg19) VCF-style: chr12-2224608-A-C.
Other names: c.268A>C, p.Lys90Gln (NM_001129846.2, NM_001167623.2, NM_001167624.3 and 19 more transcripts); short protein forms K90Q.
Identifiers: ClinVar variation 1449702 (VCV001449702.6), dbSNP rs1555193186, ClinGen allele CA383653279.